The following is an entry in ClinVar:

NM_001085452.4(SPATA31A1):c.93T>C (p.Thr31=)

Gene: SPATA31A1 (SPATA31 subfamily A member 1; plus strand). Cytogenetic location: 9p12.
Variant type: single nucleotide variant.
Coding change: c.93T>C on transcript NM_001085452.4 (MANE Select); coding-DNA position 93, T replaced by C.
Protein change: p.Thr31=; no amino-acid change (threonine 31 retained).
Molecular consequence: synonymous variant.
Genome position (GRCh38, 1-based): chr9:39,355,823, T>C. VCF-style: chr9-39355823-T-C. GRCh37 (hg19) VCF-style: chr9-39355820-T-C.
Identifiers: ClinVar variation 2659206 (VCV002659206.24), dbSNP rs772874487, ClinGen allele CA5065751.

ClinVar aggregate classification (germline): Likely benign (1 of 4 stars; one submission).

Allele frequency attached by ClinVar (database versions not stated): gnomAD 0.00319; gnomAD exomes 0.00337; ExAC 0.00616.

Submission:

CeGaT Center for Human Genetics Tuebingen
Classification: Likely benign. Last evaluated: 2025-03-01. Review status: criteria provided, single submitter. Criteria: CeGaT Center For Human Genetics Tuebingen Variant Classification Criteria Version 2. Collection method: clinical testing. Allele origin: germline. Affected: yes. Observed: 2 variant alleles.
Comment: SPATA31A1: BP4, BP7, BS2